The following is an entry in ClinVar:

ClinVar aggregate classification (germline): Benign (0 of 4 stars; one submission).

Conditions:
SLC51A-related disorder. Also called: SLC51A-related condition.

Allele frequency attached by ClinVar (database versions not stated): ESP Exome Variant Server 0.39958; gnomAD 0.42801; TOPMed 0.43265; 1000 Genomes Project 30x 0.44597; 1000 Genomes Project 0.45687; ExAC 0.47722.

Submission:

PreventionGenetics, part of Exact Sciences
Classification: Benign for SLC51A-related condition. Last evaluated: 2023-06-22. Review status: no assertion criteria provided. Collection method: clinical testing. Allele origin: germline.
Comment: This variant is classified as benign based on ACMG/AMP sequence variant interpretation guidelines (Richards et al. 2015 PMID: 25741868, with internal and published modifications).

NM_152672.6(SLC51A):c.604G>A (p.Val202Ile)

Gene: SLC51A (solute carrier family 51 member A; plus strand). Cytogenetic location: 3q29.
Variant type: single nucleotide variant.
Coding change: c.604G>A on transcript NM_152672.6 (MANE Select); coding-DNA position 604, G replaced by A.
Protein change: p.Val202Ile; replaces valine 202 with isoleucine.
Molecular consequence: missense variant.
Genome position (GRCh38, 1-based): chr3:196,228,891, G>A. VCF-style: chr3-196228891-G-A. GRCh37 (hg19) VCF-style: chr3-195955762-G-A.
Other names: short protein forms V202I.
Identifiers: ClinVar variation 3059296 (VCV003059296.2), dbSNP rs939885, ClinGen allele CA2779148.